The following is an entry in ClinVar:

ClinVar aggregate classification (germline): Uncertain significance (1 of 4 stars; one submission).

Conditions:
Multiple epiphyseal dysplasia type 4 (EDM4). Also called: Multiple Epiphyseal Dysplasia, Recessive; MULTIPLE EPIPHYSEAL DYSPLASIA WITH BILAYERED PATELLAE; MULTIPLE EPIPHYSEAL DYSPLASIA WITH CLUBFOOT; MULTIPLE EPIPHYSEAL DYSPLASIA, AUTOSOMAL RECESSIVE; SLC26A2-Related Multiple Epiphyseal Dysplasia. Identifiers: Orphanet 93307, MedGen C1847593, MONDO:0009189, OMIM 226900.
Achondrogenesis, type IB (ACG1B). Also called: Achondrogenesis Type 1B. Identifiers: Orphanet 932, Orphanet 93298, MedGen C0265274, MONDO:0010966, OMIM 600972.
Atelosteogenesis type II (AO2). Also called: NEONATAL OSSEOUS DYSPLASIA I; Neonatal osseous dysplasia 1; SLC26A2-Related Atelosteogenesis. Identifiers: Orphanet 56304, MedGen C1850554, MONDO:0009727, OMIM 256050.
Diastrophic dysplasia (DTD). Also called: Diastrophic dwarfism. Identifiers: Orphanet 628, MedGen C0220726, MONDO:0009107, OMIM 222600.

Allele frequency attached by ClinVar (database versions not stated): ExAC 0.00001; gnomAD 0.00001; gnomAD exomes 0.00001; TOPMed 0.00002.
gnomAD v4.1: 20 of 1,614,052 alleles (0.0012%); highest among the groups gnomAD compares: Non-Finnish European, 0.0017%; no homozygotes.

Submission:

Labcorp Genetics (formerly Invitae), Labcorp
Classification: Uncertain significance for Atelosteogenesis type II; Multiple epiphyseal dysplasia type 4; Achondrogenesis, type IB; Diastrophic dysplasia. Last evaluated: 2022-06-21. Review status: criteria provided, single submitter. Criteria: Invitae Variant Classification Sherloc (09022015). Collection method: clinical testing. Allele origin: germline.
Comment: This sequence change replaces isoleucine, which is neutral and non-polar, with threonine, which is neutral and polar, at codon 514 of the SLC26A2 protein (p.Ile514Thr). This variant is present in population databases (rs752005332, gnomAD 0.0009%). This variant has not been reported in the literature in individuals affected with SLC26A2-related conditions. Advanced modeling of protein sequence and biophysical properties (such as structural, functional, and spatial information, amino acid conservation, physicochemical variation, residue mobility, and thermodynamic stability) performed at Invitae indicates that this missense variant is not expected to disrupt SLC26A2 protein function. In summary, the available evidence is currently insufficient to determine the role of this variant in disease. Therefore, it has been classified as a Variant of Uncertain Significance.

NM_000112.4(SLC26A2):c.1541T>C (p.Ile514Thr)

Gene: SLC26A2 (solute carrier family 26 member 2; plus strand). Cytogenetic location: 5q32.
Variant type: single nucleotide variant.
Coding change: c.1541T>C on transcript NM_000112.4 (MANE Select); coding-DNA position 1541, T replaced by C.
Protein change: p.Ile514Thr; replaces isoleucine 514 with threonine.
Molecular consequence: missense variant.
Genome position (GRCh38, 1-based): chr5:149,981,134, T>C. VCF-style: chr5-149981134-T-C. GRCh37 (hg19) VCF-style: chr5-149360697-T-C.
Other names: short protein forms I514T.
Identifiers: ClinVar variation 2191421 (VCV002191421.1), dbSNP rs752005332, ClinGen allele CA3505455.
Genomic context (GRCh38, chr5:149,981,134, plus strand): 5'-CCCTTCGTAAATTTAGGGATCTTCCCAAAATGTGGAGTATTAGTAGAATGGATACAGTTA[T>C]CTGGTTTGTTACTATGCTGTCCTCTGCACTGCTAAGTACTGAAATAGGCCTACTTGTTGG-3'
Protein context (NP_000103.2, residues 504-524): MWSISRMDTV[Ile514Thr]WFVTMLSSAL